The following is an entry in ClinVar:

NM_001378457.1(DMXL2):c.88-8_88-3dup

Gene: DMXL2 (Dmx like 2; minus strand). Cytogenetic location: 15q21.2.
Variant type: Duplication.
Coding change: c.88-8_88-3dup on transcript NM_001378457.1 (MANE Select); 8 bases into the intron before coding-DNA position 88 through 3 bases into the intron before coding-DNA position 88, 6 bases duplicated (TTTTTT; older notation c.88-8_88-3dupTTTTTT).
Molecular consequence: intron variant.
Genome position (GRCh38, 1-based): chr15:51,576,184-51,576,189, AAAAAA duplicated on the plus strand (TTTTTT on the coding strand, the reverse complement: DMXL2 is on the minus strand); duplicating any 6 consecutive bases within chr15:51,576,184-51,576,203 gives the same sequence; the c. name uses the placement nearest the transcript's 3' end. VCF-style (leftmost placement, unchanged base first): chr15-51576183-T-TAAAAAA. GRCh37 (hg19) VCF-style: chr15-51868380-T-TAAAAAA.
Other names: p.?; c.88-8_88-3dup (NM_001378460.1, NM_001174117.3, NM_015263.5 and 8 more transcripts).
Identifiers: ClinVar variation 1671517 (VCV001671517.10), dbSNP rs3078066, ClinGen allele CA713625982.
Genomic context (GRCh38, chr15:51,576,183, plus strand): 5'-ATCTGTACACATTCAAAGTCATTTGCCAAAATAACAATATCACAGCCTGATCCATATGCC[T>TAAAAAA]AAAAAAAAAAAAAAAAAAAAGTTTTACAATACATAAGATATGTAACTTTTGAAATCTTAT-3'

ClinVar aggregate classification (germline): Benign/Likely benign. Review status: criteria provided, multiple submitters, no conflicts (2 of 4 stars). 3 submissions from 3 submitters: Benign (1); Likely benign (2). Last evaluated 2026-01-14.

Submissions (3):

Labcorp Genetics (formerly Invitae), Labcorp
Classification: Benign. Last evaluated: 2026-01-14. Review status: criteria provided, single submitter. Criteria: Invitae Variant Classification Sherloc (09022015). Collection method: clinical testing. Allele origin: germline.

Mayo Clinic Laboratories, Mayo Clinic
Classification: Likely benign. Last evaluated: 2025-11-15. Review status: criteria provided, single submitter. Criteria: ACMG Guidelines, 2015. Collection method: clinical testing. Allele origin: germline. Observed: 2 variant alleles.
Comment: BP3, BP4

Blueprint Genetics
Classification: Likely benign. Last evaluated: 2024-11-21. Review status: criteria provided, single submitter. Criteria: ACMG Guidelines, 2015. Collection method: clinical testing. Allele origin: germline.